The following is an entry in ClinVar:

NM_024675.4(PALB2):c.1451T>G (p.Leu484Ter)

Gene: PALB2 (partner and localizer of BRCA2; minus strand). Cytogenetic location: 16p12.2.
Variant type: single nucleotide variant.
Coding change: c.1451T>G on transcript NM_024675.4 (MANE Select); coding-DNA position 1451, T replaced by G.
Protein change: p.Leu484Ter; replaces leucine 484 with a stop codon.
Molecular consequence: nonsense.
Genome position (GRCh38, 1-based): chr16:23,635,095, A>C on the plus strand (T>G on the coding strand, the complement: PALB2 is on the minus strand). VCF-style: chr16-23635095-A-C. GRCh37 (hg19) VCF-style: chr16-23646416-A-C.
Other names: short protein forms L484*.
Identifiers: ClinVar variation 819252 (VCV000819252.6), dbSNP rs786203714, ClinGen allele CA395131225.

ClinVar aggregate classification (germline): Pathogenic/Likely pathogenic. Review status: criteria provided, multiple submitters, no conflicts (2 of 4 stars). 2 submissions from 2 submitters: Pathogenic (1); Likely pathogenic (1). Last evaluated 2019-10-21.

Conditions:
Hereditary cancer-predisposing syndrome. Also called: Tumor predisposition; Hereditary neoplastic syndrome; Neoplastic Syndromes, Hereditary; Hereditary Cancer Syndrome. Identifiers: Orphanet 140162, MedGen C0027672, MeSH D009386, MONDO:0015356.
Hereditary breast ovarian cancer syndrome. Also called: Hereditary breast and ovarian cancer syndrome (HBOC); Breast and ovarian cancer; BRCA1- and BRCA2-Associated Hereditary Breast and Ovarian Cancer; Hereditary breast and/or ovarian cancer syndrome; Hereditary breast and ovarian cancer syndrome; Hereditary breast and ovarian cancer. Identifiers: Orphanet 145, MedGen C0677776, MeSH D061325, MONDO:0003582. Disease mechanism: loss of function.

Submissions (2):

Ambry Genetics
Classification: Pathogenic for Hereditary cancer-predisposing syndrome. Last evaluated: 2019-10-21. Review status: criteria provided, single submitter. Criteria: Ambry Variant Classification Scheme 2023. Collection method: clinical testing. Allele origin: germline.
Comment: The p.L484* pathogenic mutation (also known as c.1451T>G), located in coding exon 4 of the PALB2 gene, results from a T to G substitution at nucleotide position 1451. This changes the amino acid from a leucine to a stop codon within coding exon 4. This alteration is expected to result in loss of function by premature protein truncation or nonsense-mediated mRNA decay. As such, this alteration is interpreted as a disease-causing mutation.

Cancer Genomics Group, Japanese Foundation For Cancer Research
Classification: Likely pathogenic for Hereditary breast and ovarian cancer syndrome. Last evaluated: 2019-05-01. Review status: criteria provided, single submitter. Criteria: ACMG Guidelines, 2015. Collection method: research. Allele origin: germline. Affected: yes.